The following is an entry in ClinVar:

ClinVar aggregate classification (germline): Pathogenic/Likely pathogenic. Review status: criteria provided, multiple submitters, no conflicts (2 of 4 stars). 8 submissions from 8 submitters: Pathogenic (2); Likely pathogenic (4). 2 of the submissions do not count toward it. Last evaluated 2026-08-07.

Conditions:
Susceptibility to mononeuropathy of the median nerve, mild. Also called: CARPAL TUNNEL SYNDROME, SUSCEPTIBILITY TO. Identifiers: MedGen C3150596, MONDO:0013237, OMIM 613353.
Charcot-Marie-Tooth disease type 4C (CMT4C). Also called: CHARCOT-MARIE-TOOTH DISEASE, DEMYELINATING, TYPE 4C; SH3TC2-Related Hereditary Motor and Sensory Neuropathy; CMT 4C; Charcot-Marie-Tooth Neuropathy Type 4C (CMT4C); CHARCOT-MARIE-TOOTH DISEASE, DEMYELINATING, AUTOSOMAL RECESSIVE, TYPE 4C. Identifiers: Orphanet 99949, MedGen C1866636, MONDO:0011113, OMIM 601596.
Charcot-Marie-Tooth disease type 4. Also called: Charcot-Marie-Tooth, Type 4; Charcot-Marie-Tooth disease, type IV. Identifiers: Orphanet 64749, MedGen C4082197, MONDO:0018995.
Charcot-Marie-Tooth disease. Also called: Charcot-Marie-Tooth Hereditary Neuropathy; Charcot-Marie-Tooth Neuropathy. Identifiers: Orphanet 166, MedGen C0007959, MONDO:0015626.

Allele frequency attached by ClinVar (database versions not stated): gnomAD exomes 0.00001; gnomAD 0.00002 and below 0.00001; ExAC 0.00001; TOPMed 0.00002.
gnomAD v4.1: 14 of 1,614,022 alleles (0.00087%); highest among the groups gnomAD compares: South Asian, 0.0066%; no homozygotes.

Submissions (8):

GeneDx
Classification: Pathogenic. Last evaluated: 2026-08-07. Review status: criteria provided, single submitter. Criteria: GeneDx Variant Classification Process June 2021. Collection method: clinical testing. Allele origin: germline.
Comment: Reported previously in patients with demyelinating CMT who also harbored a second variant, although phase of these variants was not confirmed (PMID: 21291453, 22462672); RNA studies demonstrate a damaging effect: this variant results in aberrant splicing (PMID: 22950825); In silico analysis supports a deleterious effect on splicing; Not observed at significant frequency in large population cohorts (gnomAD); This variant is associated with the following publications: (PMID: 21291453, 31589614, 22462672, 22950825)

Medical and Scientific Branch, Hong Kong Genome Institute
Classification: Likely pathogenic for Charcot-Marie-Tooth disease type 4C. Last evaluated: 2026-01-26. Review status: criteria provided, single submitter. Criteria: ACMG Guidelines, 2015. Collection method: clinical testing. Allele origin: unknown. Affected: yes.

Labcorp Genetics (formerly Invitae), Labcorp
Classification: Pathogenic for Charcot-Marie-Tooth disease type 4. Last evaluated: 2024-06-26. Review status: criteria provided, single submitter. Criteria: Invitae Variant Classification Sherloc (09022015). Collection method: clinical testing. Allele origin: germline.
Comment: This sequence change falls in intron 16 of the SH3TC2 gene. It does not directly change the encoded amino acid sequence of the SH3TC2 protein. RNA analysis indicates that this variant induces altered splicing and likely disrupts the C-terminus of the protein. This variant is present in population databases (rs772823083, gnomAD 0.003%). This variant has been observed in individual(s) with SH3TC2-related conditions (PMID: 21291453, 22950825). In at least one individual the data is consistent with being in trans (on the opposite chromosome) from a pathogenic variant. ClinVar contains an entry for this variant (Variation ID: 426503). Studies have shown that this variant results in activation of a cryptic splice acceptor site and introduces a new termination codon (PMID: 22950825). However the mRNA is not expected to undergo nonsense-mediated decay. For these reasons, this variant has been classified as Pathogenic.

Fulgent Genetics
Classification: Likely pathogenic for Charcot-Marie-Tooth disease type 4C; Susceptibility to mononeuropathy of the median nerve, mild. Last evaluated: 2024-03-05. Review status: criteria provided, single submitter. Criteria: ACMG Guidelines, 2015. Collection method: clinical testing. Allele origin: germline.

Neuberg Centre For Genomic Medicine, NCGM
Classification: Likely pathogenic for Charcot-Marie-Tooth disease type 4C. Last evaluated: 2023-06-02. Review status: criteria provided, single submitter. Criteria: ACMG Guidelines, 2015. Collection method: clinical testing. Allele origin: germline. Inheritance: Autosomal recessive inheritance. Affected: yes.
Comment: The splice-site c.3676-8G>A variant in SH3TC2 gene has been reported to the ClinVar database as Pathogenic/Likely pathogenic/Uncertain significance. This variant is reported with the allele frequency of 0.0012% in the gnomAD Exomes and is novel (not in any individuals) in 1000 Genomes. The c.3676-8 G>A splice site variant in the SH3TC2 gene has been previously reported along with nonsense or frameshift variants in unrelated individuals with CMT4C (Lassuthova et al., 2011; Yger et al., 2012). This variant is predicted to create a cryptic acceptor site upstream of the natural acceptor site for intron 16 and functional studies in transfected cells demonstrate aberrant splicing (Lassuthova et al., 2012). For these reasons, this variant has been classified as Likely Pathogenic.

3billion
Classification: Likely pathogenic for Charcot-Marie-Tooth disease type 4C. Last evaluated: 2023-02-23. Review status: criteria provided, single submitter. Criteria: ACMG Guidelines, 2015. Collection method: clinical testing. Allele origin: unknown. Affected: yes.
Comment: The variant is observed at an extremely low frequency in the gnomAD v2.1.1 dataset (total allele frequency: 0.001%). In silico tools predict the variant to alter splicing and produce an abnormal transcript (SpliceAI: 0.97). The variant has been reported to be in trans with a pathogenic variant as either compound heterozygous or homozygous in at least one similarly affected unrelated individual (PMID: 21291453, 22950825). The variant has been reported at least twice as pathogenic without evidence for the classification (ClinVar ID: VCV000426503 / PMID: 21291453). Therefore, this variant is classified as Likely pathogenic according to the recommendation of ACMG/AMP guideline.

Equipe Genetique des Anomalies du Developpement, Université de Bourgogne
Classification: Uncertain significance for Charcot-Marie-Tooth disease type 4C. Review status: flagged submission. Criteria: ACMG Guidelines, 2007. Collection method: clinical testing. Allele origin: inherited. Affected: yes. Not counted in ClinVar's aggregate classification.
ClinVar note: Reason: Claim with insufficient supporting evidence

Inherited Neuropathy Consortium
Classification: Uncertain significance for Charcot-Marie-Tooth disease. Review status: flagged submission. Collection method: literature only. Allele origin: germline. Affected: yes. Not counted in ClinVar's aggregate classification.
ClinVar note: Reason: Claim with insufficient supporting evidence

Literature cited by the submitters: PubMed 21291453 (cited by 3 submitters); PubMed 22950825 (cited by Labcorp Genetics (formerly Invitae), Labcorp and 3billion).

NM_024577.4(SH3TC2):c.3676-8G>A

Gene: SH3TC2 (SH3 domain and tetratricopeptide repeats 2; minus strand). Cytogenetic location: 5q32.
Variant type: single nucleotide variant.
Coding change: c.3676-8G>A on transcript NM_024577.4 (MANE Select); 8 bases into the intron before coding-DNA position 3676, G replaced by A.
Molecular consequence: intron variant.
Genome position (GRCh38, 1-based): chr5:149,004,910, C>T on the plus strand (G>A on the coding strand, the complement: SH3TC2 is on the minus strand). VCF-style: chr5-149004910-C-T. GRCh37 (hg19) VCF-style: chr5-148384473-C-T.
Identifiers: ClinVar variation 426503 (VCV000426503.15), dbSNP rs772823083, ClinGen allele CA3498648.